The following is an entry in ClinVar:

ClinVar aggregate classification (germline): Likely pathogenic. Review status: criteria provided, multiple submitters, no conflicts (2 of 4 stars). 2 submissions from 2 submitters: Likely pathogenic (2). Last evaluated 2025-06-24.

Conditions:
Senior-Loken syndrome 8 (SLSN8). Identifiers: Orphanet 3156, MedGen C4225376, MONDO:0014579, OMIM 616307.
Asphyxiating thoracic dystrophy 5 (SRTD5). Also called: SHORT-RIB THORACIC DYSPLASIA 5 WITH OR WITHOUT POLYDACTYLY; SHORT-RIB THORACIC DYSPLASIA 5 WITHOUT POLYDACTYLY. Identifiers: Orphanet 474, MedGen C3280598, MONDO:0013717, OMIM 614376.
Cranioectodermal dysplasia 4 (CED4). Identifiers: Orphanet 1515, MedGen C3280616, MONDO:0013719, OMIM 614378.
Spermatogenic failure 72 (SPGF72). Identifiers: MedGen C5676980, MONDO:0030809, OMIM 619867.
Nephronophthisis 13 (NPHP13). Identifiers: Orphanet 655, MedGen C3280612, MONDO:0013718, OMIM 614377.

gnomAD v4.1: 3 of 1,572,872 alleles (0.00019%); highest among the groups gnomAD compares: East Asian, 0.0023%; no homozygotes.

Submissions (2):

Labcorp Genetics (formerly Invitae), Labcorp
Classification: Likely pathogenic for Senior-Loken syndrome 8; Asphyxiating thoracic dystrophy 5. Last evaluated: 2025-06-24. Review status: criteria provided, single submitter. Criteria: Invitae Variant Classification Sherloc (09022015). Collection method: clinical testing. Allele origin: germline.
Comment: This sequence change affects an acceptor splice site in intron 11 of the WDR19 gene. It is expected to disrupt RNA splicing. Variants that disrupt the donor or acceptor splice site typically lead to a loss of protein function (PMID: 16199547), and loss-of-function variants in WDR19 are known to be pathogenic (PMID: 22019273, 23559409, 23683095, 26275793, 27241786, 29068549). This variant is not present in population databases (gnomAD no frequency). This variant has not been reported in the literature in individuals affected with WDR19-related conditions. ClinVar contains an entry for this variant (Variation ID: 3590515). Algorithms developed to predict the effect of sequence changes on RNA splicing suggest that this variant may disrupt the consensus splice site. In summary, the currently available evidence indicates that the variant is pathogenic, but additional data are needed to prove that conclusively. Therefore, this variant has been classified as Likely Pathogenic.

Fulgent Genetics
Classification: Likely pathogenic for Asphyxiating thoracic dystrophy 5; Nephronophthisis 13; Cranioectodermal dysplasia 4; Senior-Loken syndrome 8; Spermatogenic failure 72. Last evaluated: 2024-06-05. Review status: criteria provided, single submitter. Criteria: ACMG Guidelines, 2015. Collection method: clinical testing. Allele origin: germline.

Literature cited by the submitters: PubMed 16199547 (cited by Labcorp Genetics (formerly Invitae), Labcorp); PubMed 22019273 (cited by Labcorp Genetics (formerly Invitae), Labcorp); PubMed 23559409 (cited by Labcorp Genetics (formerly Invitae), Labcorp); PubMed 23683095 (cited by Labcorp Genetics (formerly Invitae), Labcorp); PubMed 26275793 (cited by Labcorp Genetics (formerly Invitae), Labcorp); PubMed 27241786 (cited by Labcorp Genetics (formerly Invitae), Labcorp); PubMed 29068549 (cited by Labcorp Genetics (formerly Invitae), Labcorp).

NM_025132.4(WDR19):c.1135-2A>G

Gene: WDR19 (WD repeat domain 19; plus strand). Cytogenetic location: 4p14.
Variant type: single nucleotide variant.
Coding change: c.1135-2A>G on transcript NM_025132.4 (MANE Select); the canonical splice acceptor site of the intron before coding-DNA position 1135, A replaced by G.
Molecular consequence: splice acceptor variant.
Genome position (GRCh38, 1-based): chr4:39,216,094, A>G. VCF-style: chr4-39216094-A-G. GRCh37 (hg19) VCF-style: chr4-39217714-A-G.
Other names: c.655-2A>G (NM_001317924.2).
Identifiers: ClinVar variation 3590515 (VCV003590515.2).